The following is an entry in ClinVar:

ClinVar aggregate classification (germline): Pathogenic (1 of 4 stars; one submission).

Conditions:
Ehlers-Danlos syndrome due to tenascin-X deficiency (EDSCLL1). Also called: EHLERS-DANLOS SYNDROME, CLASSIC-LIKE; TNX DEFICIENCY; EDS DUE TO TNX DEFICIENCY; Ehlers-Danlos syndrome, classic-like, 1; TNXB-Related Classical-Like Ehlers-Danlos Syndrome. Identifiers: Orphanet 230839, MedGen C1848029, MONDO:0011670, OMIM 606408.

Submission:

Women's Health and Genetics/Laboratory Corporation of America, LabCorp
Classification: Pathogenic for Ehlers-Danlos syndrome due to tenascin-X deficiency. Last evaluated: 2025-12-01. Review status: criteria provided, single submitter. Criteria: LabCorp Variant Classification Summary - May 2015. Collection method: clinical testing. Allele origin: germline.
Comment: Variant summary: TNXB c.3295_3296delAG (p.Arg1099GlyfsX46) results in a premature termination codon, predicted to cause a truncation of the encoded protein or absence of the protein due to nonsense mediated decay, which are commonly known mechanisms for disease. The variant was absent in 244124 control chromosomes. To our knowledge, no occurrence of c.3295_3296delAG in individuals affected with TNXB-related conditions and no experimental evidence demonstrating its impact on protein function have been reported. No submitters have cited clinical-significance assessments for this variant to ClinVar. Based on the evidence outlined above, the variant was classified as pathogenic.

NM_001365276.2(TNXB):c.3295_3296del (p.Arg1099fs)

Gene: TNXB (tenascin XB; minus strand). Cytogenetic location: 6p21.33.
Variant type: Deletion.
Coding change: c.3295_3296del on transcript NM_001365276.2 (MANE Select); coding-DNA positions 3295 to 3296, 2 bases deleted (AG; older notation c.3295_3296delAG).
Protein change: p.Arg1099fs; shifts the reading frame from arginine 1099.
Molecular consequence: frameshift variant.
Genome position (GRCh38, 1-based): chr6:32,084,562-32,084,563, CT deleted on the plus strand (AG on the coding strand, the reverse complement: TNXB is on the minus strand). VCF-style (leftmost placement, unchanged base first): chr6-32084561-CCT-C. GRCh37 (hg19) VCF-style: chr6-32052338-CCT-C.
Other names: c.3295_3296delAG (NM_019105.8); c.4036_4037del, p.Arg1346fs (NM_001428335.1); c.3295_3296del, p.Arg1099fs (NM_019105.8); short protein forms R1099fs, R1346fs.
Identifiers: ClinVar variation 4688703 (VCV004688703.1).